The following is an entry in ClinVar:

ClinVar aggregate classification (germline): Uncertain significance. Review status: criteria provided, multiple submitters, no conflicts (2 of 4 stars). 2 submissions from 2 submitters: Uncertain significance (2). Last evaluated 2025-08-25.

Conditions:
Aortic aneurysm, familial thoracic 6 (AAT6). Also called: FAMILIAL THORACIC AORTIC ANEURYSM WITH LIVEDO RETICULARIS AND IRIS FLOCCULI. Identifiers: MedGen C2673186, MONDO:0012730, OMIM 611788.
Familial thoracic aortic aneurysm and aortic dissection (TAAD). Also called: Thoracic aortic aneurysms and dissections. Identifiers: Orphanet 91387, MedGen C4707243, MONDO:0019625.

Submissions (2):

Color Diagnostics, LLC DBA Color Health
Classification: Uncertain significance for Familial thoracic aortic aneurysm and aortic dissection. Last evaluated: 2025-08-25. Review status: criteria provided, single submitter. Criteria: ACMG Guidelines, 2015. Collection method: clinical testing. Allele origin: germline.
Comment: This variant causes a G to A nucleotide substitution at the +5 position of intron 5 of the ACTA2 gene. To our knowledge, functional studies have not been reported for this variant. This variant has not been reported in individuals affected with ACTA2-related disorders in the literature. This variant has not been identified in the general population by the Genome Aggregation Database (gnomAD). The available evidence is insufficient to determine the role of this variant in disease conclusively. Therefore, this variant is classified as a Variant of Uncertain Significance.

Labcorp Genetics (formerly Invitae), Labcorp
Classification: Uncertain significance for Aortic aneurysm, familial thoracic 6. Last evaluated: 2018-06-09. Review status: criteria provided, single submitter. Criteria: Invitae Variant Classification Sherloc (09022015). Collection method: clinical testing. Allele origin: germline.
Comment: This variant is not present in population databases (ExAC no frequency). In summary, the available evidence is currently insufficient to determine the role of this variant in disease. Therefore, it has been classified as a Variant of Uncertain Significance. Nucleotide substitutions within the consensus splice site are a relatively common cause of aberrant splicing (PMID: 17576681, 9536098). Algorithms developed to predict the effect of sequence changes on RNA splicing suggest that this variant may disrupt the consensus splice site, but this prediction has not been confirmed by published transcriptional studies. This variant has not been reported in the literature in individuals with ACTA2-related disease. This sequence change falls in intron 5 of the ACTA2 gene. It does not directly change the encoded amino acid sequence of the ACTA2 protein, but it affects a nucleotide within the consensus splice site of the intron.

Literature cited by the submitters: PubMed 17576681 (cited by Labcorp Genetics (formerly Invitae), Labcorp); PubMed 9536098 (cited by Labcorp Genetics (formerly Invitae), Labcorp).

NM_001613.4(ACTA2):c.454+5G>A

Gene: ACTA2 (actin alpha 2, smooth muscle; minus strand). Cytogenetic location: 10q23.31.
Variant type: single nucleotide variant.
Coding change: c.454+5G>A on transcript NM_001613.4 (MANE Select); 5 bases into the intron after coding-DNA position 454, G replaced by A.
Molecular consequence: intron variant.
Genome position (GRCh38, 1-based): chr10:88,941,780, C>T on the plus strand (G>A on the coding strand, the complement: ACTA2 is on the minus strand). VCF-style: chr10-88941780-C-T. GRCh37 (hg19) VCF-style: chr10-90701537-C-T.
Other names: c.325+5G>A (NM_001406467.1, NM_001406468.1, NM_001406469.1); c.454+5G>A (NM_001320855.2, NM_001406462.1, NM_001406471.1 and 3 more transcripts); c.343+5G>A (NM_001406466.1).
Identifiers: ClinVar variation 570460 (VCV000570460.8), dbSNP rs1564644761, ClinGen allele CA891843058.